The following is an entry in ClinVar:

NM_001077365.2(POMT1):c.1576G>A (p.Glu526Lys)

Gene: POMT1 (protein O-mannosyltransferase 1; plus strand). Cytogenetic location: 9q34.13.
Variant type: single nucleotide variant.
Coding change: c.1576G>A on transcript NM_001077365.2 (MANE Select); coding-DNA position 1576, G replaced by A.
Protein change: p.Glu526Lys; replaces glutamic acid 526 with lysine.
Molecular consequence: missense variant. On other transcripts: intron variant (1), non-coding transcript variant (10).
Genome position (GRCh38, 1-based): chr9:131,519,478, G>A. VCF-style: chr9-131519478-G-A. GRCh37 (hg19) VCF-style: chr9-134394865-G-A.
Other names: c.1225G>A, p.Glu409Lys (NM_001353195.2, NM_001374691.1, NM_001374692.1 and 2 more transcripts); c.1486G>A, p.Glu496Lys (NM_001353196.2); c.1480G>A, p.Glu494Lys (NM_001353197.2, NM_001353198.2); c.1291G>A, p.Glu431Lys (NM_001353199.2); c.1120G>A, p.Glu374Lys (NM_001353200.2); c.1564G>A, p.Glu522Lys (NM_001374689.1); c.1366-602G>A (NM_001374690.1); c.1414G>A, p.Glu472Lys (NM_001077366.2, NM_001353194.2); and 3 more; short protein forms E374K, E431K, E522K, E526K, E548K, E396K, E409K, E494K.
Identifiers: ClinVar variation 1046331 (VCV001046331.11), dbSNP rs1949475355, ClinGen allele CA375312967.

ClinVar aggregate classification (germline): Conflicting classifications of pathogenicity. Review status: criteria provided, conflicting classifications (1 of 4 stars). 2 submissions from 2 submitters: Likely pathogenic (1); Uncertain significance (1). Last evaluated 2024-12-02.

Conditions:
Muscular dystrophy-dystroglycanopathy (congenital with impaired intellectual development), type B, 1. Also called: MUSCULAR DYSTROPHY, CONGENITAL, POMT1-RELATED; Muscular dystrophy-dystroglycanopathy (congenital with intellectual disability), type B1. Identifiers: MedGen C5436962, MONDO:0013159, OMIM 613155.
Autosomal recessive limb-girdle muscular dystrophy type 2K. Also called: MUSCULAR DYSTROPHY-DYSTROGLYCANOPATHY (LIMB-GIRDLE), TYPE C, 1; MUSCULAR DYSTROPHY, LIMB-GIRDLE, TYPE 2K. Identifiers: Orphanet 86812, MedGen C1836373, MONDO:0012248, OMIM 609308.
Walker-Warburg congenital muscular dystrophy. Also called: Muscular dystrophy-dystroglycanopathy, type A; Walker-Warburg syndrome. Identifiers: Orphanet 899, MedGen C0265221, MONDO:0000171.

Allele frequency attached by ClinVar (database versions not stated): gnomAD exomes below 0.00001.
gnomAD v4.1: 1 of 1,550,338 alleles (0.000065%); highest among the groups gnomAD compares: Non-Finnish European, 0.000087%; no homozygotes.

Submissions (2):

GeneDx
Classification: Likely pathogenic. Last evaluated: 2024-12-02. Review status: criteria provided, single submitter. Criteria: GeneDx Variant Classification Process June 2021. Collection method: clinical testing. Allele origin: germline. Affected: yes.
Comment: Not observed at significant frequency in large population cohorts (gnomAD); In silico analysis supports that this missense variant has a deleterious effect on protein structure/function; Has not been previously published as pathogenic or benign to our knowledge

Labcorp Genetics (formerly Invitae), Labcorp
Classification: Uncertain significance for Muscular dystrophy-dystroglycanopathy (congenital with impaired intellectual development), type B, 1; Walker-Warburg congenital muscular dystrophy; Autosomal recessive limb-girdle muscular dystrophy type 2K. Last evaluated: 2023-05-08. Review status: criteria provided, single submitter. Criteria: Invitae Variant Classification Sherloc (09022015). Collection method: clinical testing. Allele origin: germline.
Comment: Advanced modeling of protein sequence and biophysical properties (such as structural, functional, and spatial information, amino acid conservation, physicochemical variation, residue mobility, and thermodynamic stability) has been performed at Invitae for this missense variant, however the output from this modeling did not meet the statistical confidence thresholds required to predict the impact of this variant on POMT1 protein function. In summary, the available evidence is currently insufficient to determine the role of this variant in disease. Therefore, it has been classified as a Variant of Uncertain Significance. ClinVar contains an entry for this variant (Variation ID: 1046331). This variant has not been reported in the literature in individuals affected with POMT1-related conditions. This variant is not present in population databases (gnomAD no frequency). This sequence change replaces glutamic acid, which is acidic and polar, with lysine, which is basic and polar, at codon 548 of the POMT1 protein (p.Glu548Lys).